The following is an entry in ClinVar:

ClinVar aggregate classification (germline): Uncertain significance. Review status: criteria provided, multiple submitters, no conflicts (2 of 4 stars). 2 submissions from 2 submitters: Uncertain significance (2). Last evaluated 2025-02-02.

Conditions:
Inborn genetic diseases. Identifiers: MedGen C0950123, MeSH D030342.

Allele frequency attached by ClinVar (database versions not stated): gnomAD 0.00001; ExAC 0.00002; gnomAD exomes 0.00002; TOPMed 0.00002.
gnomAD v4.1: 26 of 1,613,968 alleles (0.0016%); highest among the groups gnomAD compares: African/African-American, 0.0027%; no homozygotes.

Submissions (2):

Ambry Genetics
Classification: Uncertain significance for Inborn genetic diseases. Last evaluated: 2025-02-02. Review status: criteria provided, single submitter. Criteria: Ambry Variant Classification Scheme 2023. Collection method: clinical testing. Allele origin: germline.

Labcorp Genetics (formerly Invitae), Labcorp
Classification: Uncertain significance. Last evaluated: 2023-05-11. Review status: criteria provided, single submitter. Criteria: Invitae Variant Classification Sherloc (09022015). Collection method: clinical testing. Allele origin: germline.
Comment: In summary, the available evidence is currently insufficient to determine the role of this variant in disease. Therefore, it has been classified as a Variant of Uncertain Significance. Advanced modeling of protein sequence and biophysical properties (such as structural, functional, and spatial information, amino acid conservation, physicochemical variation, residue mobility, and thermodynamic stability) performed at Invitae indicates that this missense variant is not expected to disrupt ANK3 protein function. This variant has not been reported in the literature in individuals affected with ANK3-related conditions. This variant is present in population databases (rs774501041, gnomAD 0.006%). This sequence change replaces glycine, which is neutral and non-polar, with arginine, which is basic and polar, at codon 2943 of the ANK3 protein (p.Gly2943Arg).

NM_020987.5(ANK3):c.8827G>A (p.Gly2943Arg)

Gene: ANK3 (ankyrin 3; minus strand). Cytogenetic location: 10q21.2.
Variant type: single nucleotide variant.
Coding change: c.8827G>A on transcript NM_020987.5 (MANE Select); coding-DNA position 8827, G replaced by A.
Protein change: p.Gly2943Arg; replaces glycine 2943 with arginine.
Molecular consequence: missense variant. On other transcripts: intron variant (4).
Genome position (GRCh38, 1-based): chr10:60,072,054, C>T on the plus strand (G>A on the coding strand, the complement: ANK3 is on the minus strand). VCF-style: chr10-60072054-C-T. GRCh37 (hg19) VCF-style: chr10-61831812-C-T.
Other names: c.8827G>A (NM_020987.3); c.4388-4045G>A (NM_001204403.2); c.4409-4045G>A (NM_001204404.2); c.4406-4045G>A (NM_001320874.2); c.1808-4045G>A (NM_001149.4); short protein forms G2943R.
Identifiers: ClinVar variation 3001645 (VCV003001645.4), dbSNP rs774501041, ClinGen allele CA5511487.
Genomic context (GRCh38, chr10:60,072,054, plus strand): 5'-TGACGGGAATGTGTGACACTGCTGAGCTCTCGCTCCTCCTGGAAGGCTGATCAAGCAATC[C>T]GCCTGGATGGTCCCCTTCTTTCACAACATATTCCCTATATAAGACTTTTTTGGAGGGAGA-3'
Protein context (NP_066267.2, residues 2933-2953): YVVKEGDHPG[Gly2943Arg]LLDQPSRRSE